The following is an entry in ClinVar:

ClinVar aggregate classification (germline): Uncertain significance (1 of 4 stars; one submission).

Allele frequency attached by ClinVar (database versions not stated): ExAC 0.00002; TOPMed 0.00004; gnomAD 0.00005; gnomAD exomes 0.00013; ESP Exome Variant Server 0.00025.
gnomAD v4.1: 193 of 1,613,832 alleles (0.012%); highest among the groups gnomAD compares: Non-Finnish European, 0.016%; no homozygotes.

Submission:

GeneDx
Classification: Uncertain significance. Last evaluated: 2022-06-06. Review status: criteria provided, single submitter. Criteria: GeneDx Variant Classification Process June 2021. Collection method: clinical testing. Allele origin: germline. Affected: yes.
Comment: In silico analysis supports that this missense variant does not alter protein structure/function; This variant is associated with the following publications: (PMID: 29481998)

NM_005245.4(FAT1):c.9726C>G (p.Asp3242Glu)

Gene: FAT1 (FAT atypical cadherin 1; minus strand). Cytogenetic location: 4q35.2.
Variant type: single nucleotide variant.
Coding change: c.9726C>G on transcript NM_005245.4 (MANE Select); coding-DNA position 9726, C replaced by G.
Protein change: p.Asp3242Glu; replaces aspartic acid 3242 with glutamic acid.
Molecular consequence: missense variant.
Genome position (GRCh38, 1-based): chr4:186,611,513, G>C on the plus strand (C>G on the coding strand, the complement: FAT1 is on the minus strand). VCF-style: chr4-186611513-G-C. GRCh37 (hg19) VCF-style: chr4-187532667-G-C.
Other names: short protein forms D3242E.
Identifiers: ClinVar variation 1803427 (VCV001803427.1), dbSNP rs201874529, ClinGen allele CA3165571.
Genomic context (GRCh38, chr4:186,611,513, plus strand): 5'-ATTTGCTTCAATATCCCGACTTGCTGCATACACTTGAAGAACTTCAGTTCCAACAAGAAT[G>C]TCCTCAGACACGGTGGCACCATATTCACGGTACTCAAACACAGGGGGGTTGTCATTTATG-3'
Protein context (NP_005236.2, residues 3232-3252): YREYGATVSE[Asp3242Glu]ILVGTEVLQV